The following is an entry in ClinVar:

NM_000138.5(FBN1):c.5296+3G>C

Gene: FBN1 (fibrillin 1; minus strand). Cytogenetic location: 15q21.1.
Variant type: single nucleotide variant.
Coding change: c.5296+3G>C on transcript NM_000138.5 (MANE Select); 3 bases into the intron after coding-DNA position 5296, G replaced by C.
Molecular consequence: intron variant.
Genome position (GRCh38, 1-based): chr15:48,460,243, C>G on the plus strand (G>C on the coding strand, the complement: FBN1 is on the minus strand). VCF-style: chr15-48460243-C-G. GRCh37 (hg19) VCF-style: chr15-48752440-C-G.
Other names: c.5296+3G>C (NM_001406716.1).
Identifiers: ClinVar variation 2943878 (VCV002943878.3), dbSNP rs2043270772, ClinGen allele CA2740096577.

ClinVar aggregate classification (germline): Uncertain significance (1 of 4 stars; one submission).

Conditions:
Marfan syndrome (MFS). Also called: MARFAN SYNDROME, TYPE I; Marfan syndrome type 1; Marfan's syndrome; Marfan syndrome, classic; FBN1-Related Marfan Syndrome. Identifiers: Orphanet 284963, Orphanet 558, MedGen C0024796, MONDO:0007947, OMIM 154700.
Familial thoracic aortic aneurysm and aortic dissection (TAAD). Also called: Thoracic aortic aneurysms and dissections. Identifiers: Orphanet 91387, MedGen C4707243, MONDO:0019625.

Submission:

Labcorp Genetics (formerly Invitae), Labcorp
Classification: Uncertain significance for Marfan syndrome; Familial thoracic aortic aneurysm and aortic dissection. Last evaluated: 2023-02-02. Review status: criteria provided, single submitter. Criteria: Invitae Variant Classification Sherloc (09022015). Collection method: clinical testing. Allele origin: germline.
Comment: Variants that disrupt the consensus splice site are a relatively common cause of aberrant splicing (PMID: 17576681, 9536098). Algorithms developed to predict the effect of sequence changes on RNA splicing suggest that this variant may disrupt the consensus splice site. This sequence change falls in intron 43 of the FBN1 gene. It does not directly change the encoded amino acid sequence of the FBN1 protein. It affects a nucleotide within the consensus splice site. This variant is not present in population databases (gnomAD no frequency). This variant has been observed in individual(s) with Marfan syndrome (Invitae). This variant disrupts the c.5296+3G nucleotide in the FBN1 gene. Other variant(s) that disrupt this nucleotide have been determined to be pathogenic (Invitae). This suggests that this nucleotide is clinically significant, and that variants that disrupt this position are likely to be disease-causing. In summary, the available evidence is currently insufficient to determine the role of this variant in disease. Therefore, it has been classified as a Variant of Uncertain Significance.

Literature cited by the submitters: PubMed 17576681; PubMed 9536098.